The following is an entry in ClinVar:

ClinVar aggregate classification (germline): Pathogenic (1 of 4 stars; one submission).

Conditions:
Primary ciliary dyskinesia. Also called: Ciliary dyskinesia. Identifiers: Orphanet 244, MedGen C0008780, MONDO:0016575, HP:0012265.

Submission:

Labcorp Genetics (formerly Invitae), Labcorp
Classification: Pathogenic for Primary ciliary dyskinesia. Last evaluated: 2025-10-01. Review status: criteria provided, single submitter. Criteria: Invitae Variant Classification Sherloc (09022015). Collection method: clinical testing. Allele origin: germline.
Comment: This sequence change creates a premature translational stop signal (p.Leu1467Trpfs*3) in the DNAH5 gene. It is expected to result in an absent or disrupted protein product. Loss-of-function variants in DNAH5 are known to be pathogenic (PMID: 11788826, 16627867). This variant is not present in population databases (gnomAD no frequency). This variant has not been reported in the literature in individuals affected with DNAH5-related conditions. For these reasons, this variant has been classified as Pathogenic.

Literature cited by the submitters: PubMed 11788826; PubMed 16627867.

NM_001369.3(DNAH5):c.4400del (p.Leu1467fs)

Genes: DNAH5 (dynein axonemal heavy chain 5; minus strand), DNAH5-AS1 (DNAH5 antisense RNA 1; plus strand). Cytogenetic location: 5p15.2.
Variant type: Deletion.
Coding change: c.4400del on transcript NM_001369.3 (MANE Select); coding-DNA position 4400, one base deleted (T; older notation c.4400delT).
Protein change: p.Leu1467fs; shifts the reading frame from leucine 1467.
Molecular consequence: frameshift variant.
Genome position (GRCh38, 1-based): chr5:13,864,593, A deleted on the plus strand (T on the coding strand, the reverse complement: DNAH5 is on the minus strand); the first of 6 consecutive A bases (chr5:13,864,593-13,864,598); deleting any one gives the same sequence. VCF-style (leftmost placement, unchanged base first): chr5-13864592-CA-C. GRCh37 (hg19) VCF-style: chr5-13864701-CA-C.
Other names: short protein forms L1467fs.
Identifiers: ClinVar variation 4768004 (VCV004768004.1).